The following is an entry in ClinVar:

NM_012233.3(RAB3GAP1):c.1326+6_1326+8del

Gene: RAB3GAP1 (RAB3 GTPase activating protein catalytic subunit 1; plus strand). Cytogenetic location: 2q21.3.
Variant type: Deletion.
Coding change: c.1326+6_1326+8del on transcript NM_012233.3 (MANE Select); bases 6 to 8 of the intron after coding-DNA position 1326, 3 bases deleted (TTG; older notation c.1326+6_1326+8delTTG).
Molecular consequence: intron variant.
Genome position (GRCh38, 1-based): chr2:135,132,990-135,132,992, TTG deleted; deleting any 3 consecutive bases within chr2:135,132,989-135,132,992 gives the same sequence; the c. name uses the placement nearest the transcript's 3' end. VCF-style (leftmost placement, unchanged base first): chr2-135132988-AGTT-A. GRCh37 (hg19) VCF-style: chr2-135890558-AGTT-A.
Other names: p.?; c.1326+6_1326+8del (NM_001172435.2).
Identifiers: ClinVar variation 4684590 (VCV004684590.1).

ClinVar aggregate classification (germline): Likely benign (1 of 4 stars; one submission).

Submission:

Mayo Clinic Laboratories, Mayo Clinic
Classification: Likely benign. Last evaluated: 2025-06-23. Review status: criteria provided, single submitter. Criteria: ACMG Guidelines, 2015. Collection method: clinical testing. Allele origin: germline. Observed: 1 variant allele.
Comment: BP4, BP7